The following is an entry in ClinVar:

NM_004370.6(COL12A1):c.1697del (p.Asn566fs)

Gene: COL12A1 (collagen type XII alpha 1 chain; minus strand). Cytogenetic location: 6q13.
Variant type: Deletion.
Coding change: c.1697del on transcript NM_004370.6 (MANE Select); coding-DNA position 1697, one base deleted (A; older notation c.1697delA).
Protein change: p.Asn566fs; shifts the reading frame from asparagine 566.
Molecular consequence: frameshift variant. On other transcripts: intron variant (1).
Genome position (GRCh38, 1-based): chr6:75,183,244, T deleted on the plus strand (A on the coding strand, the reverse complement: COL12A1 is on the minus strand); the first of 2 consecutive T bases (chr6:75,183,244-75,183,245); deleting either gives the same sequence. VCF-style (leftmost placement, unchanged base first): chr6-75183243-AT-A. GRCh37 (hg19) VCF-style: chr6-75892959-AT-A.
Other names: c.73+19476del (NM_080645.3); short protein forms N566fs.
Identifiers: ClinVar variation 2091041 (VCV002091041.4), dbSNP rs2533565805, ClinGen allele CA2580075808.

ClinVar aggregate classification (germline): Uncertain significance (1 of 4 stars; one submission).

Conditions:
Ullrich congenital muscular dystrophy 2 (UCMD2). Identifiers: Orphanet 75840, MedGen C4225314, MONDO:0014654, OMIM 616470.
Bethlem myopathy 2 (BTHLM2). Identifiers: Orphanet 536516, Orphanet 610, MedGen C4225313, MONDO:0034022, OMIM 616471.

Submission:

Labcorp Genetics (formerly Invitae), Labcorp
Classification: Uncertain significance for Bethlem myopathy 2; Ullrich congenital muscular dystrophy 2. Last evaluated: 2022-01-28. Review status: criteria provided, single submitter. Criteria: Invitae Variant Classification Sherloc (09022015). Collection method: clinical testing. Allele origin: germline.
Comment: This sequence change creates a premature translational stop signal (p.Asn566Ilefs*11) in the COL12A1 gene. Multiple COL12A1 isoforms have been reported, and the functional impact of this variant is uncertain (PMID: 8601036). This variant is not present in population databases (gnomAD no frequency). This variant has not been reported in the literature in individuals affected with COL12A1-related conditions. Experimental studies and prediction algorithms are not available or were not evaluated, and the functional significance of this variant is currently unknown. In summary, the available evidence is currently insufficient to determine the role of this variant in disease. Therefore, it has been classified as a Variant of Uncertain Significance.

Literature cited by the submitters: PubMed 8601036.